The following is an entry in ClinVar:

NM_001370259.2(MEN1):c.621G>A (p.Arg207=)

Gene: MEN1 (menin 1; minus strand). Cytogenetic location: 11q13.1.
Variant type: single nucleotide variant.
Coding change: c.621G>A on transcript NM_001370259.2 (MANE Select); coding-DNA position 621, G replaced by A.
Protein change: p.Arg207=; no amino-acid change (arginine 207 retained).
Molecular consequence: synonymous variant. On other transcripts: intron variant (2).
Genome position (GRCh38, 1-based): chr11:64,807,924, C>T on the plus strand (G>A on the coding strand, the complement: MEN1 is on the minus strand). VCF-style: chr11-64807924-C-T. GRCh37 (hg19) VCF-style: chr11-64575396-C-T.
Other names: c.636G>A, p.Arg212= (NM_000244.4, NM_130800.3, NM_130801.3 and 3 more transcripts); c.621G>A, p.Arg207= (NM_001370251.2, NM_001370260.2, NM_001370261.2 and 1 more transcripts); c.549+72G>A (NM_001370263.2, NM_001370262.2).
Identifiers: ClinVar variation 219958 (VCV000219958.13), dbSNP rs779966911, ClinGen allele CA061329.
Genomic context (GRCh38, chr11:64,807,924, plus strand): 5'-GACAAGGCTGGGGGGAGGGAACAATACCCGCTCAGCCACACCGGCATTGACTGTCTGGCC[C>T]CTGCGGTCCTCGTTGCCCTTGCCGTGCCAGGTGACCTCAGCTGTCTGCTCCCCATTGGGC-3'
Protein context (NP_001357188.2, residues 197-217): TWHGKGNEDR[Arg207=]GQTVNAGVAE

ClinVar aggregate classification (germline): Benign/Likely benign. Review status: criteria provided, multiple submitters, no conflicts (2 of 4 stars). 3 submissions from 3 submitters: Benign (1); Likely benign (2). Last evaluated 2025-09-28.

Conditions:
Hereditary cancer-predisposing syndrome. Also called: Tumor predisposition; Hereditary neoplastic syndrome; Neoplastic Syndromes, Hereditary; Hereditary Cancer Syndrome. Identifiers: Orphanet 140162, MedGen C0027672, MeSH D009386, MONDO:0015356.
Multiple endocrine neoplasia, type 1 (MEN1). Also called: MEN I; WERMER SYNDROME; Endocrine adenomatosis multiple; MEN 1; MEA I. Identifiers: Orphanet 652, MedGen C0025267, MeSH D018761, MONDO:0007540, OMIM 131100.

Allele frequency attached by ClinVar (database versions not stated): gnomAD exomes below 0.00001; ExAC 0.00001; gnomAD 0.00001.
gnomAD v4.1: 4 of 1,613,972 alleles (0.00025%); highest among the groups gnomAD compares: Non-Finnish European, 0.00034%; no homozygotes.

Submissions (3):

Labcorp Genetics (formerly Invitae), Labcorp
Classification: Likely benign for Multiple endocrine neoplasia, type 1. Last evaluated: 2025-09-28. Review status: criteria provided, single submitter. Criteria: Invitae Variant Classification Sherloc (09022015). Collection method: clinical testing. Allele origin: germline.

Myriad Genetics, Inc.
Classification: Benign for Multiple endocrine neoplasia, type 1. Last evaluated: 2024-11-01. Review status: criteria provided, single submitter. Criteria: Myriad Autosomal Dominant, Autosomal Recessive and X-Linked Classification Criteria (2023). Collection method: clinical testing. Allele origin: unknown.
Comment: This variant is considered benign. This variant is a silent/synonymous amino acid change and it is not expected to impact splicing.

Ambry Genetics
Classification: Likely benign for Hereditary cancer-predisposing syndrome. Last evaluated: 2021-02-04. Review status: criteria provided, single submitter. Criteria: Ambry Variant Classification Scheme 2023. Collection method: clinical testing. Allele origin: germline.